The following is an entry in ClinVar:

NM_004304.5(ALK):c.3721G>C (p.Glu1241Gln)

Gene: ALK (ALK receptor tyrosine kinase; minus strand). Cytogenetic location: 2p23.2.
Variant type: single nucleotide variant.
Coding change: c.3721G>C on transcript NM_004304.5 (MANE Select); coding-DNA position 3721, G replaced by C.
Protein change: p.Glu1241Gln; replaces glutamic acid 1241 with glutamine.
Molecular consequence: missense variant.
Genome position (GRCh38, 1-based): chr2:29,214,006, C>G on the plus strand (G>C on the coding strand, the complement: ALK is on the minus strand). VCF-style: chr2-29214006-C-G. GRCh37 (hg19) VCF-style: chr2-29436872-C-G.
Other names: c.517G>C, p.Glu173Gln (NM_001353765.2); short protein forms E173Q, E1241Q.
Identifiers: ClinVar variation 2049651 (VCV002049651.4), dbSNP rs948993224, ClinGen allele CA346471254.

ClinVar aggregate classification (germline): Uncertain significance (1 of 4 stars; one submission).

Conditions:
Neuroblastoma, susceptibility to, 3. Also called: ALK-Related Neuroblastic Tumor Susceptibility. Identifiers: Orphanet 635, MedGen C2751681, MONDO:0013083, OMIM 613014.

Submission:

Labcorp Genetics (formerly Invitae), Labcorp
Classification: Uncertain significance for Neuroblastoma, susceptibility to, 3. Last evaluated: 2021-12-25. Review status: criteria provided, single submitter. Criteria: Invitae Variant Classification Sherloc (09022015). Collection method: clinical testing. Allele origin: germline.
Comment: This sequence change replaces glutamic acid, which is acidic and polar, with glutamine, which is neutral and polar, at codon 1241 of the ALK protein (p.Glu1241Gln). This variant is not present in population databases (gnomAD no frequency). This variant has not been reported in the literature in individuals affected with ALK-related conditions. Algorithms developed to predict the effect of missense changes on protein structure and function (SIFT, PolyPhen-2, Align-GVGD) all suggest that this variant is likely to be disruptive. In summary, the available evidence is currently insufficient to determine the role of this variant in disease. Therefore, it has been classified as a Variant of Uncertain Significance.